The following is an entry in ClinVar:

ClinVar aggregate classification (germline): Uncertain significance (1 of 4 stars; one submission).

Allele frequency attached by ClinVar (database versions not stated): gnomAD exomes 0.00001 and 0.00004; TOPMed 0.00001; ExAC 0.00004.
gnomAD v4.1: 7 of 1,613,828 alleles (0.00043%); highest among the groups gnomAD compares: Admixed American, 0.012%; no homozygotes.

Submission:

GeneDx
Classification: Uncertain significance. Last evaluated: 2018-08-19. Review status: criteria provided, single submitter. Criteria: GeneDx Variant Classification Process June 2021. Collection method: clinical testing. Allele origin: germline. Affected: yes.
Comment: Has not been previously published as pathogenic or benign to our knowledge; In silico analysis, which includes protein predictors and evolutionary conservation, supports that this variant does not alter protein structure/function

NM_001127671.2(LIFR):c.728A>G (p.Asn243Ser)

Gene: LIFR (LIF receptor subunit alpha; minus strand). Cytogenetic location: 5p13.1.
Variant type: single nucleotide variant.
Coding change: c.728A>G on transcript NM_001127671.2 (MANE Select); coding-DNA position 728, A replaced by G.
Protein change: p.Asn243Ser; replaces asparagine 243 with serine.
Molecular consequence: missense variant.
Genome position (GRCh38, 1-based): chr5:38,511,798, T>C on the plus strand (A>G on the coding strand, the complement: LIFR is on the minus strand). VCF-style: chr5-38511798-T-C. GRCh37 (hg19) VCF-style: chr5-38511900-T-C.
Other names: c.728A>G, p.Asn243Ser (NM_001364297.2, NM_001364298.2, NM_002310.6); short protein forms N243S.
Identifiers: ClinVar variation 1315883 (VCV001315883.2), dbSNP rs771895582, ClinGen allele CA3243132.